The following continues an entry in ClinVar:

NM_000059.4(BRCA2):c.635_636del (p.Arg212fs)

Gene: BRCA2. ClinVar aggregate classification (germline): Pathogenic. Pathogenic (1).

Submissions 14 to 23 of 23:

MGZ Medical Genetics Center
Classification: Pathogenic for Familial cancer of breast. Last evaluated: 2021-09-17. Review status: criteria provided, single submitter. Criteria: ACMG Guidelines, 2015. Collection method: clinical testing. Allele origin: germline. Affected: yes. Observed: 3 variant alleles. Not counted in ClinVar's aggregate classification.
Comment: ACMG criteria applied: PVS1, PS4_MOD, PM1, PM2_SUP

GeneDx
Classification: Pathogenic. Last evaluated: 2020-01-22. Review status: criteria provided, single submitter. Criteria: GeneDx Variant Classification Process June 2021. Collection method: clinical testing. Allele origin: germline. Affected: yes. Not counted in ClinVar's aggregate classification.
Comment: Frameshift variant predicted to result in protein truncation or nonsense mediated decay in a gene for which loss-of-function is a known mechanism of disease; Observed in individuals with personal and family history consistent with pathogenic variants in this gene (Verhoog 1999, Meindl 2002, Castera 2014, Meisel 2017); Truncating variants in this gene are considered pathogenic by a well-established clinical consortium and/or database; Not observed in large population cohorts (Lek 2016); Also known as 863_864delGA, 862delAG, or 634_635delAG; This variant is associated with the following publications: (PMID: 24549055, 28324225, 10550133, 11802209, 16683254, 21305653, 32719484)

Consortium of Investigators of Modifiers of BRCA1/2 (CIMBA), c/o University of Cambridge
Classification: Pathogenic for Breast-ovarian cancer, familial, susceptibility to, 2. Last evaluated: 2015-10-02. Review status: criteria provided, single submitter. Criteria: CIMBA Mutation Classification guidelines May 2016. Collection method: clinical testing. Allele origin: germline. Not counted in ClinVar's aggregate classification.

Clinical Genetics DNA and cytogenetics Diagnostics Lab, Erasmus MC, Erasmus Medical Center
Classification: Pathogenic for Breast-ovarian cancer, familial, susceptibility to, 2. Last evaluated: 2015-09-21. Review status: criteria provided, single submitter. Criteria: ACGS Guidelines, 2013. Collection method: clinical testing. Allele origin: germline. Affected: yes. Study: VKGL Data-share Consensus. Not counted in ClinVar's aggregate classification.

BRCAlab, Lund University
Classification: Pathogenic for Breast-ovarian cancer, familial, susceptibility to, 2. Last evaluated: 2020-03-02. Review status: no assertion criteria provided. Collection method: clinical testing. Allele origin: germline. Affected: yes. Not counted in ClinVar's aggregate classification.

Sharing Clinical Reports Project (SCRP)
Classification: Pathogenic for Breast-ovarian cancer, familial 2. Last evaluated: 2012-12-28. Review status: no assertion criteria provided. Collection method: clinical testing. Allele origin: germline. Not counted in ClinVar's aggregate classification.

Breast Cancer Information Core (BIC) (BRCA2)
Classification: Pathogenic for Breast-ovarian cancer, familial 2. Review status: no assertion criteria provided. Collection method: clinical testing. Allele origin: germline. Affected: yes. Observed: 1 variant allele. Not counted in ClinVar's aggregate classification.

Diagnostic Laboratory, Department of Genetics, University Medical Center Groningen
Classification: Pathogenic for Breast-ovarian cancer, familial, susceptibility to, 2. Review status: no assertion criteria provided. Collection method: clinical testing. Allele origin: germline. Affected: yes. Study: VKGL Data-share Consensus. Not counted in ClinVar's aggregate classification.

Joint Genome Diagnostic Labs from Nijmegen and Maastricht, Radboudumc and MUMC+
Classification: Pathogenic. Review status: no assertion criteria provided. Collection method: clinical testing. Allele origin: germline. Affected: yes. Study: VKGL Data-share Consensus. Not counted in ClinVar's aggregate classification.

Laboratory of Diagnostic Genome Analysis, Leiden University Medical Center (LUMC)
Classification: Pathogenic. Review status: no assertion criteria provided. Collection method: clinical testing. Allele origin: germline. Affected: yes. Study: VKGL Data-share Consensus. Not counted in ClinVar's aggregate classification.

Literature cited by the submitters: PubMed 33471991 (cited by 3 submitters); PubMed 31409081 (cited by 3 submitters); PubMed 29446198 (cited by Quest Diagnostics Nichols Institute San Juan Capistrano and Color Diagnostics, LLC DBA Color Health); PubMed 11802209 (cited by Quest Diagnostics Nichols Institute San Juan Capistrano and Color Diagnostics, LLC DBA Color Health); PubMed 37850614 (cited by Quest Diagnostics Nichols Institute San Juan Capistrano); PubMed 38709234 (cited by Quest Diagnostics Nichols Institute San Juan Capistrano); PubMed 10550133 (cited by Quest Diagnostics Nichols Institute San Juan Capistrano and Color Diagnostics, LLC DBA Color Health); PubMed 28324225 (cited by Quest Diagnostics Nichols Institute San Juan Capistrano); PubMed 24549055 (cited by Quest Diagnostics Nichols Institute San Juan Capistrano); PubMed 20104584 (cited by Labcorp Genetics (formerly Invitae), Labcorp).